The following is an entry in ClinVar:

ClinVar aggregate classification (germline): Uncertain significance (1 of 4 stars; one submission).

Submission:

GeneDx
Classification: Uncertain significance. Last evaluated: 2025-04-21. Review status: criteria provided, single submitter. Criteria: GeneDx Variant Classification Process June 2021. Collection method: clinical testing. Allele origin: germline.
Comment: Not observed at significant frequency in large population cohorts (gnomAD); In silico analysis indicates that this missense variant does not alter protein structure/function; Has not been previously published as pathogenic or benign to our knowledge

NM_001042681.2(RERE):c.379A>G (p.Ile127Val)

Gene: RERE (arginine-glutamic acid dipeptide repeats; minus strand). Cytogenetic location: 1p36.23.
Variant type: single nucleotide variant.
Coding change: c.379A>G on transcript NM_001042681.2 (MANE Select); coding-DNA position 379, A replaced by G.
Protein change: p.Ile127Val; replaces isoleucine 127 with valine.
Molecular consequence: missense variant.
Genome position (GRCh38, 1-based): chr1:8,624,327, T>C on the plus strand (A>G on the coding strand, the complement: RERE is on the minus strand). VCF-style: chr1-8624327-T-C. GRCh37 (hg19) VCF-style: chr1-8684386-T-C.
Other names: c.379A>G, p.Ile127Val (NM_012102.4); short protein forms I127V.
Identifiers: ClinVar variation 3773910 (VCV003773910.2).
Genomic context (GRCh38, chr1:8,624,327, plus strand): 5'-AGAGAATACAGAGCAGAGTGAACAGCACATTAAAAACGCTTACCAGTTTGAAGTCTTGAA[T>C]GCTACAGATGAAATACGGTGTGTTTGGCCTCCGACTCTCGATATACACACAGTCTTTAAA-3'
Protein context (NP_001036146.1, residues 117-137): RPNTPYFICS[Ile127Val]QDFKLVHNSQ